The following is an entry in ClinVar:

ClinVar aggregate classification (germline): Uncertain significance (1 of 4 stars; one submission).

Allele frequency attached by ClinVar (database versions not stated): gnomAD exomes 0.00002.
gnomAD v4.1: 28 of 1,549,216 alleles (0.0018%); highest among the groups gnomAD compares: Non-Finnish European, 0.0024%; no homozygotes.

Submission:

Labcorp Genetics (formerly Invitae), Labcorp
Classification: Uncertain significance. Last evaluated: 2022-10-17. Review status: criteria provided, single submitter. Criteria: Invitae Variant Classification Sherloc (09022015). Collection method: clinical testing. Allele origin: germline.
Comment: This variant has not been reported in the literature in individuals affected with EYS-related conditions. This sequence change replaces glycine, which is neutral and non-polar, with serine, which is neutral and polar, at codon 2420 of the EYS protein (p.Gly2420Ser). This variant is present in population databases (no rsID available, gnomAD 0.002%). Algorithms developed to predict the effect of missense changes on protein structure and function output the following: SIFT: "Deleterious"; PolyPhen-2: "Probably Damaging"; Align-GVGD: "Class C55". The serine amino acid residue is found in multiple mammalian species, which suggests that this missense change does not adversely affect protein function. In summary, the available evidence is currently insufficient to determine the role of this variant in disease. Therefore, it has been classified as a Variant of Uncertain Significance.

NM_001142800.2(EYS):c.7258G>A (p.Gly2420Ser)

Gene: EYS (EGF-like photoreceptor maintenance factor; minus strand). Cytogenetic location: 6q12.
Variant type: single nucleotide variant.
Coding change: c.7258G>A on transcript NM_001142800.2 (MANE Select); coding-DNA position 7258, G replaced by A.
Protein change: p.Gly2420Ser; replaces glycine 2420 with serine.
Molecular consequence: missense variant.
Genome position (GRCh38, 1-based): chr6:63,806,343, C>T on the plus strand (G>A on the coding strand, the complement: EYS is on the minus strand). VCF-style: chr6-63806343-C-T. GRCh37 (hg19) VCF-style: chr6-64516236-C-T.
Other names: c.7258G>A, p.Gly2420Ser (NM_001292009.2); short protein forms G2420S.
Identifiers: ClinVar variation 1945325 (VCV001945325.5), dbSNP rs1328818930, ClinGen allele CA364388256.